The following is an entry in ClinVar:

NM_001244008.2(KIF1A):c.746T>A (p.Leu249Gln)

Gene: KIF1A (kinesin family member 1A; minus strand). Cytogenetic location: 2q37.3.
Variant type: single nucleotide variant.
Coding change: c.746T>A on transcript NM_001244008.2 (MANE Select); coding-DNA position 746, T replaced by A.
Protein change: p.Leu249Gln; replaces leucine 249 with glutamine.
Molecular consequence: missense variant.
Genome position (GRCh38, 1-based): chr2:240,783,791, A>T on the plus strand (T>A on the coding strand, the complement: KIF1A is on the minus strand). VCF-style: chr2-240783791-A-T. GRCh37 (hg19) VCF-style: chr2-241723208-A-T.
Other names: c.746T>A, p.Leu249Gln (NM_001320705.2, NM_001330289.2, NM_001330290.2 and 20 more transcripts); short protein forms L249Q.
Identifiers: ClinVar variation 162061 (VCV000162061.3), dbSNP rs672601371, ClinGen allele CA212639.

ClinVar aggregate classification (germline): Likely pathogenic. Review status: criteria provided, single submitter (1 of 4 stars). 2 submissions from 2 submitters: Likely pathogenic (1). 1 of the submissions does not count toward it. Last evaluated 2020-06-15.

Conditions:
Intellectual disability, autosomal dominant 9 (NESCAVS). Also called: NESCAV SYNDROME; KIF1A-Related Neurodevelopmental Disorder. Identifiers: Orphanet 662367, MedGen C5393830, MONDO:0013656, OMIM 614255.

Submissions (2):

SIB Swiss Institute of Bioinformatics
Classification: Likely pathogenic for Intellectual disability, autosomal dominant 9. Last evaluated: 2020-06-15. Review status: criteria provided, single submitter. Criteria: ACMG Guidelines, 2015. Collection method: curation. Allele origin: unknown.
Comment: This variant is interpreted as likely pathogenic for NESCAV syndrome, autosomal dominant. The following ACMG Tag(s) were applied: Absent from controls (or at extremely low frequency if recessive) in Exome Sequencing Project, 1000 Genomes Project, or Exome Aggregation Consortium (PM2); Assumed de novo, but no confirmation of paternity and maternity (PM6); Multiple lines of computational evidence support a deleterious effect on the gene or gene product (PP3); Missense variant in a gene that has a low rate of benign missense variation and in which missense variants are a common mechanism of disease (PP2).

CHU Sainte-Justine Research Center, University of Montreal
Classification: Likely pathogenic for Mental retardation, autosomal dominant 9. Last evaluated: 2014-01-01. Review status: no assertion criteria provided. Collection method: clinical testing. Allele origin: de novo. Inheritance: Sporadic. Affected: yes. Observed: 1 variant allele, 1 heterozygote. Not counted in ClinVar's aggregate classification.

Literature cited by the submitters: PubMed 25265257 (cited by SIB Swiss Institute of Bioinformatics and CHU Sainte-Justine Research Center, University of Montreal).